The following is an entry in ClinVar:

NM_013336.4(SEC61A1):c.167C>T (p.Ser56Leu)

Gene: SEC61A1 (SEC61 translocon subunit alpha 1; plus strand). Cytogenetic location: 3q21.3.
Variant type: single nucleotide variant.
Coding change: c.167C>T on transcript NM_013336.4 (MANE Select); coding-DNA position 167, C replaced by T.
Protein change: p.Ser56Leu; replaces serine 56 with leucine.
Molecular consequence: missense variant.
Genome position (GRCh38, 1-based): chr3:128,055,698, C>T. VCF-style: chr3-128055698-C-T. GRCh37 (hg19) VCF-style: chr3-127774541-C-T.
Other names: c.185C>T, p.Ser62Leu (NM_001400328.1); c.8C>T, p.Ser3Leu (NM_001400329.1); short protein forms S62L, S3L, S56L.
Identifiers: ClinVar variation 5006531 (VCV005006531.2).

ClinVar aggregate classification (germline): Uncertain significance (1 of 4 stars; one submission).

Conditions:
Immunodeficiency, common variable, 15 (CVID15). Identifiers: Orphanet 697417, MedGen C5882741, MONDO:0958013, OMIM 620670.
Neutropenia, severe congenital, 11, autosomal dominant (SCN11). Identifiers: MedGen C5882742, MONDO:0958017, OMIM 620674.
Hyperuricemic nephropathy, familial juvenile type 4 (ADTKD5). Identifiers: MedGen C4310741, MONDO:0014891, OMIM 617056.

Submission:

Juno Genomics, Hangzhou Juno Genomics, Inc
Classification: Uncertain significance for Hyperuricemic nephropathy, familial juvenile type 4; Neutropenia, severe congenital, 11, autosomal dominant; Immunodeficiency, common variable, 15. Review status: criteria provided, single submitter. Criteria: ACMG Guidelines, 2015. Collection method: clinical testing. Allele origin: germline.
Comment: Absent from controls (or at extremely low frequency if recessive) in Genome Aggregation Database.;Missense variant in a gene that has a low rate of benign missense variation.